The following is an entry in ClinVar:

ClinVar aggregate classification (germline): Uncertain significance (1 of 4 stars; one submission).

Conditions:
Hereditary cancer-predisposing syndrome. Also called: Neoplastic Syndromes, Hereditary; Tumor predisposition; Hereditary Cancer Syndrome; Hereditary neoplastic syndrome. Identifiers: Orphanet 140162, MedGen C0027672, MeSH D009386, MONDO:0015356.

Submission:

Ambry Genetics
Classification: Uncertain significance for Hereditary cancer-predisposing syndrome. Last evaluated: 2026-01-06. Review status: criteria provided, single submitter. Criteria: Ambry Variant Classification Scheme 2023. Collection method: clinical testing. Allele origin: germline.
Comment: The p.E283D variant (also known as c.849G>T), located in coding exon 10 of the BAP1 gene, results from a G to T substitution at nucleotide position 849. The glutamic acid at codon 283 is replaced by aspartic acid, an amino acid with highly similar properties. This amino acid position is conserved. In addition, this alteration is predicted to be tolerated by in silico analysis. Based on the available evidence, the clinical significance of this variant remains unclear.

NM_004656.4(BAP1):c.849G>T (p.Glu283Asp)

Gene: BAP1 (BRCA1 associated deubiquitinase 1; minus strand). Cytogenetic location: 3p21.1.
Variant type: single nucleotide variant.
Coding change: c.849G>T on transcript NM_004656.4 (MANE Select); coding-DNA position 849, G replaced by T.
Protein change: p.Glu283Asp; replaces glutamic acid 283 with aspartic acid.
Molecular consequence: missense variant.
Genome position (GRCh38, 1-based): chr3:52,405,847, C>A on the plus strand (G>T on the coding strand, the complement: BAP1 is on the minus strand). VCF-style: chr3-52405847-C-A. GRCh37 (hg19) VCF-style: chr3-52439863-C-A.
Other names: c.795G>T, p.Glu265Asp (NM_001410772.1); short protein forms E283D, E265D.
Identifiers: ClinVar variation 4842553 (VCV004842553.1).